The following is an entry in ClinVar:

NM_018006.5(TRMU):c.83-9C>T

Gene: TRMU (tRNA mitochondrial 2-thiouridylase; plus strand). Cytogenetic location: 22q13.31.
Variant type: single nucleotide variant.
Coding change: c.83-9C>T on transcript NM_018006.5 (MANE Select); 9 bases into the intron before coding-DNA position 83, C replaced by T.
Molecular consequence: intron variant.
Genome position (GRCh38, 1-based): chr22:46,337,770, C>T. VCF-style: chr22-46337770-C-T. GRCh37 (hg19) VCF-style: chr22-46733667-C-T.
Other names: c.83-9C>T (NM_001282785.2, NM_018006.4); c.-153-9C>T (NM_001282782.2); c.-172-9C>T (NM_001282783.2, NM_001282784.2).
Identifiers: ClinVar variation 990755 (VCV000990755.10), dbSNP rs374612111, ClinGen allele CA10291945.

ClinVar aggregate classification (germline): Likely benign. Review status: criteria provided, multiple submitters, no conflicts (2 of 4 stars). 3 submissions from 3 submitters: Likely benign (2). 1 of the submissions does not count toward it. Last evaluated 2026-01-21.

Conditions:
Acute infantile liver failure due to synthesis defect of mtDNA-encoded proteins. Also called: TRMU Deficiency; Liver failure acute infantile; LIVER FAILURE, INFANTILE, TRANSIENT. Identifiers: Orphanet 217371, MedGen C3278664, MONDO:0013111, OMIM 613070.
TRMU-related disorder. Also called: TRMU-related condition.

Allele frequency attached by ClinVar (database versions not stated): gnomAD 0.00007 and 0.00008; gnomAD exomes 0.00007 and 0.00008; TOPMed 0.00007; ExAC 0.00009; ESP Exome Variant Server 0.00023.
gnomAD v4.1: 114 of 1,614,040 alleles (0.0071%); highest among the groups gnomAD compares: Middle Eastern, 0.016%; no homozygotes.

Submissions (3):

Labcorp Genetics (formerly Invitae), Labcorp
Classification: Likely benign. Last evaluated: 2026-01-21. Review status: criteria provided, single submitter. Criteria: Invitae Variant Classification Sherloc (09022015). Collection method: clinical testing. Allele origin: germline.

PreventionGenetics, part of Exact Sciences
Classification: Likely benign for TRMU-related condition. Last evaluated: 2025-09-29. Review status: criteria provided, single submitter. Criteria: ACMG Guidelines, 2015. Collection method: clinical testing. Allele origin: germline.
Comment: This variant is classified as likely benign based on ACMG/AMP sequence variant interpretation guidelines (Richards et al. 2015 PMID: 25741868, with internal and published modifications).

Natera, Inc.
Classification: Uncertain significance for Transient infantile liver failure. Last evaluated: 2020-08-28. Review status: no assertion criteria provided. Collection method: clinical testing. Allele origin: germline. Not counted in ClinVar's aggregate classification.